The following is an entry in ClinVar:

NM_001190274.2(FBXO11):c.883T>C (p.Tyr295His)

Gene: FBXO11 (F-box protein 11; minus strand). Cytogenetic location: 2p16.3.
Variant type: single nucleotide variant.
Coding change: c.883T>C on transcript NM_001190274.2 (MANE Select); coding-DNA position 883, T replaced by C.
Protein change: p.Tyr295His; replaces tyrosine 295 with histidine.
Molecular consequence: missense variant.
Genome position (GRCh38, 1-based): chr2:47,834,630, A>G on the plus strand (T>C on the coding strand, the complement: FBXO11 is on the minus strand). VCF-style: chr2-47834630-A-G. GRCh37 (hg19) VCF-style: chr2-48061769-A-G.
Other names: c.631T>C, p.Tyr211His (NM_001374325.1, NM_025133.4); short protein forms Y211H, Y295H.
Identifiers: ClinVar variation 1720764 (VCV001720764.6), dbSNP rs2531209899, ClinGen allele CA346811731.

ClinVar aggregate classification (germline): Uncertain significance (1 of 4 stars; one submission).

Submission:

Labcorp Genetics (formerly Invitae), Labcorp
Classification: Uncertain significance. Last evaluated: 2022-11-02. Review status: criteria provided, single submitter. Criteria: Invitae Variant Classification Sherloc (09022015). Collection method: clinical testing. Allele origin: germline.
Comment: In summary, the available evidence is currently insufficient to determine the role of this variant in disease. Therefore, it has been classified as a Variant of Uncertain Significance. Algorithms developed to predict the effect of missense changes on protein structure and function are either unavailable or do not agree on the potential impact of this missense change (SIFT: "Tolerated"; PolyPhen-2: "Probably Damaging"; Align-GVGD: "Class C0"). This variant has not been reported in the literature in individuals affected with FBXO11-related conditions. This variant is not present in population databases (gnomAD no frequency). This sequence change replaces tyrosine, which is neutral and polar, with histidine, which is basic and polar, at codon 295 of the FBXO11 protein (p.Tyr295His).